The following is an entry in ClinVar:

NM_015100.4(POGZ):c.2729C>G (p.Ser910Ter)

Gene: POGZ (pogo transposable element derived with ZNF domain; minus strand). Cytogenetic location: 1q21.3.
Variant type: single nucleotide variant.
Coding change: c.2729C>G on transcript NM_015100.4 (MANE Select); coding-DNA position 2729, C replaced by G.
Protein change: p.Ser910Ter; replaces serine 910 with a stop codon.
Molecular consequence: nonsense.
Genome position (GRCh38, 1-based): chr1:151,406,306, G>C on the plus strand (C>G on the coding strand, the complement: POGZ is on the minus strand). VCF-style: chr1-151406306-G-C. GRCh37 (hg19) VCF-style: chr1-151378782-G-C.
Other names: c.2702C>G, p.Ser901Ter (NM_001194937.2); c.2543C>G, p.Ser848Ter (NM_001194938.2); c.2750C>G, p.Ser917Ter (NM_001410860.1); c.2444C>G, p.Ser815Ter (NM_145796.4); c.2570C>G, p.Ser857Ter (NM_207171.2); short protein forms S815*, S848*, S857*, S901*, S910*, S917*.
Identifiers: ClinVar variation 2444354 (VCV002444354.1), dbSNP rs1313319892, ClinGen allele CA341949262.

ClinVar aggregate classification (germline): Likely pathogenic (1 of 4 stars; one submission).

Conditions:
Intellectual disability-microcephaly-strabismus-behavioral abnormalities syndrome. Also called: White-Sutton Syndrome. Identifiers: Orphanet 468678, MedGen C4225351, MONDO:0014606, OMIM 616364.

Submission:

3billion
Classification: Likely pathogenic for Intellectual disability-microcephaly-strabismus-behavioral abnormalities syndrome. Last evaluated: 2023-02-23. Review status: criteria provided, single submitter. Criteria: ACMG Guidelines, 2015. Collection method: clinical testing. Allele origin: unknown. Affected: yes.
Comment: The variant is not observed in the gnomAD v2.1.1 dataset. This variant was predicted to result in a loss or disruption of normal protein function through protein truncation. Multiple pathogenic variants are reported in the predicted truncated region. Therefore, this variant is classified as Likely pathogenic according to the recommendation of ACMG/AMP guideline.